The following is an entry in ClinVar:

NM_004360.5(CDH1):c.1496T>A (p.Phe499Tyr)

Gene: CDH1 (cadherin 1; plus strand). Cytogenetic location: 16q22.1.
Variant type: single nucleotide variant.
Coding change: c.1496T>A on transcript NM_004360.5 (MANE Select); coding-DNA position 1496, T replaced by A.
Protein change: p.Phe499Tyr; replaces phenylalanine 499 with tyrosine.
Molecular consequence: missense variant. On other transcripts: 5 prime UTR variant (2).
Genome position (GRCh38, 1-based): chr16:68,815,690, T>A. VCF-style: chr16-68815690-T-A. GRCh37 (hg19) VCF-style: chr16-68849593-T-A.
Other names: c.1313T>A, p.Phe438Tyr (NM_001317184.2); c.-53T>A (NM_001317185.2); c.-324T>A (NM_001317186.2); short protein forms F499Y, F438Y.
Identifiers: ClinVar variation 5033917 (VCV005033917.1).

ClinVar aggregate classification (germline): Uncertain significance (1 of 4 stars; one submission).

Conditions:
Hereditary cancer-predisposing syndrome. Also called: Neoplastic Syndromes, Hereditary; Tumor predisposition; Hereditary neoplastic syndrome; Hereditary Cancer Syndrome. Identifiers: Orphanet 140162, MedGen C0027672, MeSH D009386, MONDO:0015356.

Submission:

Ambry Genetics
Classification: Uncertain significance for Hereditary cancer-predisposing syndrome. Last evaluated: 2026-07-06. Review status: criteria provided, single submitter. Criteria: Ambry Variant Classification Scheme 2023. Collection method: clinical testing. Allele origin: germline.
Comment: The p.F499Y variant (also known as c.1496T>A), located in coding exon 10 of the CDH1 gene, results from a T to A substitution at nucleotide position 1496. The phenylalanine at codon 499 is replaced by tyrosine, an amino acid with highly similar properties. This amino acid position is conserved. In addition, this alteration is predicted to be tolerated by in silico analysis. Based on the available evidence, the clinical significance of this variant remains unclear.